The following is an entry in ClinVar:

NM_000123.4(ERCC5):c.3218A>G (p.Lys1073Arg)

Genes: ERCC5 (ERCC excision repair 5, endonuclease; plus strand), BIVM-ERCC5 (BIVM-ERCC5 readthrough; plus strand). Cytogenetic location: 13q33.1.
Variant type: single nucleotide variant.
Coding change: c.3218A>G on transcript NM_000123.4 (MANE Select); coding-DNA position 3218, A replaced by G.
Protein change: p.Lys1073Arg; replaces lysine 1073 with arginine.
Molecular consequence: missense variant.
Genome position (GRCh38, 1-based): chr13:102,875,560, A>G. VCF-style: chr13-102875560-A-G. GRCh37 (hg19) VCF-style: chr13-103527910-A-G.
Other names: c.4580A>G, p.Lys1527Arg (NM_001204425.2); short protein forms K1073R, K1527R.
Identifiers: ClinVar variation 1692189 (VCV001692189.1), dbSNP rs1883189931, ClinGen allele CA388674905.

ClinVar aggregate classification (germline): Uncertain significance (1 of 4 stars; one submission).

Conditions:
Hereditary cancer-predisposing syndrome. Also called: Hereditary Cancer Syndrome; Hereditary neoplastic syndrome; Neoplastic Syndromes, Hereditary; Tumor predisposition. Identifiers: Orphanet 140162, MedGen C0027672, MeSH D009386, MONDO:0015356.

Submission:

Sema4
Classification: Uncertain significance for Hereditary cancer-predisposing syndrome. Last evaluated: 2022-03-05. Review status: criteria provided, single submitter. Criteria: Sema4 Curation Guidelines. Collection method: curation. Allele origin: germline.
Comment: The ERCC5 c.3218A>G (p.K1073R) variant has not been reported in the literature to our knowledge. This variant is not reported in the population database Genome Aggregation Database (PMID: 32461654). The variant has not been reported in ClinVar. In silico tools suggest the impact of the variant on protein function is benign, though these predictions have not been confirmed by functional studies. The evidence is insufficient to meet ACMG/AMP criteria for classifying the variant as benign or pathogenic. Thus, the clinical significance of this variant is currently uncertain.